The following is an entry in ClinVar:

NM_152490.5(B3GALNT2):c.833C>T (p.Thr278Ile)

Gene: B3GALNT2 (beta-1,3-N-acetylgalactosaminyltransferase 2; minus strand). Cytogenetic location: 1q42.3.
Variant type: single nucleotide variant.
Coding change: c.833C>T on transcript NM_152490.5 (MANE Select); coding-DNA position 833, C replaced by T.
Protein change: p.Thr278Ile; replaces threonine 278 with isoleucine.
Molecular consequence: missense variant.
Genome position (GRCh38, 1-based): chr1:235,465,644, G>A on the plus strand (C>T on the coding strand, the complement: B3GALNT2 is on the minus strand). VCF-style: chr1-235465644-G-A. GRCh37 (hg19) VCF-style: chr1-235628961-G-A.
Other names: c.956C>T, p.Thr319Ile (NM_001277155.3); short protein forms T278I, T319I.
Identifiers: ClinVar variation 1018557 (VCV001018557.3), dbSNP rs565013842, ClinGen allele CA1464785.

ClinVar aggregate classification (germline): Uncertain significance (1 of 4 stars; one submission).

Conditions:
Muscular dystrophy-dystroglycanopathy (congenital with brain and eye anomalies), type a, 11 (MDDGA11). Also called: Congenital muscular dystrophy-dystroglycanopathy with brain and eye anomalies, type A11; Muscular dystrophy-dystroglycanopathy (congenital with brain and eye anomalies, type A, 11; WALKER-WARBURG SYNDROME OR MUSCLE-EYE-BRAIN DISEASE, B3GALNT2-RELATED. Identifiers: Orphanet 588, Orphanet 899, MedGen C3554638, MONDO:0014071, OMIM 615181.

Allele frequency attached by ClinVar (database versions not stated): ExAC 0.00001; gnomAD 0.00001; gnomAD exomes 0.00001 and 0.00002; TOPMed 0.00001.
gnomAD v4.1: 10 of 1,614,010 alleles (0.00062%); highest among the groups gnomAD compares: Admixed American, 0.012%; no homozygotes.

Submission:

Labcorp Genetics (formerly Invitae), Labcorp
Classification: Uncertain significance for Muscular dystrophy-dystroglycanopathy (congenital with brain and eye anomalies), type a, 11. Last evaluated: 2025-10-27. Review status: criteria provided, single submitter. Criteria: Invitae Variant Classification Sherloc (09022015). Collection method: clinical testing. Allele origin: germline.
Comment: This sequence change replaces threonine, which is neutral and polar, with isoleucine, which is neutral and non-polar, at codon 278 of the B3GALNT2 protein (p.Thr278Ile). This variant is present in population databases (rs565013842, gnomAD 0.01%). This variant has not been reported in the literature in individuals affected with B3GALNT2-related conditions. ClinVar contains an entry for this variant (Variation ID: 1018557). Invitae Evidence Modeling of protein sequence and biophysical properties (such as structural, functional, and spatial information, amino acid conservation, physicochemical variation, residue mobility, and thermodynamic stability) indicates that this missense variant is not expected to disrupt B3GALNT2 protein function with a negative predictive value of 80%. In summary, the available evidence is currently insufficient to determine the role of this variant in disease. Therefore, it has been classified as a Variant of Uncertain Significance.